The following is an entry in ClinVar:

NM_000166.6(GJB1):c.245T>A (p.Ile82Asn)

Gene: GJB1 (gap junction protein beta 1; plus strand). Cytogenetic location: Xq13.1.
Variant type: single nucleotide variant.
Coding change: c.245T>A on transcript NM_000166.6 (MANE Select); coding-DNA position 245, T replaced by A.
Protein change: p.Ile82Asn; replaces isoleucine 82 with asparagine.
Molecular consequence: missense variant.
Genome position (GRCh38, 1-based): chrX:71,223,952, T>A. VCF-style: chrX-71223952-T-A. GRCh37 (hg19) VCF-style: chrX-70443802-T-A.
Other names: c.245T>A, p.Ile82Asn (NM_001097642.3); short protein forms I82N.
Identifiers: ClinVar variation 1417029 (VCV001417029.8), dbSNP rs2147945641, ClinGen allele CA413501642.

ClinVar aggregate classification (germline): Uncertain significance (1 of 4 stars; one submission).

Conditions:
Charcot-Marie-Tooth Neuropathy X. Identifiers: MedGen CN118851.

Submission:

Labcorp Genetics (formerly Invitae), Labcorp
Classification: Uncertain significance for Charcot-Marie-Tooth Neuropathy X. Last evaluated: 2021-06-16. Review status: criteria provided, single submitter. Criteria: Invitae Variant Classification Sherloc (09022015). Collection method: clinical testing. Allele origin: germline.
Comment: In summary, the available evidence is currently insufficient to determine the role of this variant in disease. Therefore, it has been classified as a Variant of Uncertain Significance. This variant disrupts the p.Ile82 amino acid residue in GJB1. Other variant(s) that disrupt this residue have been observed in individuals with GJB1-related conditions (PMID: 22944031), which suggests that this may be a clinically significant amino acid residue. Algorithms developed to predict the effect of missense changes on protein structure and function (SIFT, PolyPhen-2, Align-GVGD) all suggest that this variant is likely to be disruptive, but these predictions have not been confirmed by published functional studies and their clinical significance is uncertain. This variant has been observed in individual(s) with clinical features of Charcot-Marie-Tooth disease (Invitae). This variant is not present in population databases (ExAC no frequency). This sequence change replaces isoleucine with asparagine at codon 82 of the GJB1 protein (p.Ile82Asn). The isoleucine residue is highly conserved and there is a large physicochemical difference between isoleucine and asparagine.

Literature cited by the submitters: PubMed 22944031.